The following is an entry in ClinVar:

ClinVar aggregate classification (germline): Uncertain significance (1 of 4 stars; one submission).

Conditions:
Hereditary breast ovarian cancer syndrome. Also called: Hereditary breast and ovarian cancer syndrome; Hereditary breast and/or ovarian cancer syndrome; Hereditary breast and ovarian cancer syndrome (HBOC); Breast and ovarian cancer; BRCA1- and BRCA2-Associated Hereditary Breast and Ovarian Cancer; Hereditary breast and ovarian cancer. Identifiers: Orphanet 145, MedGen C0677776, MeSH D061325, MONDO:0003582. Disease mechanism: loss of function.

Submission:

Labcorp Genetics (formerly Invitae), Labcorp
Classification: Uncertain significance for Hereditary breast ovarian cancer syndrome. Last evaluated: 2019-11-21. Review status: criteria provided, single submitter. Criteria: Invitae Variant Classification Sherloc (09022015). Collection method: clinical testing. Allele origin: germline.
Comment: In summary, the available evidence is currently insufficient to determine the role of this variant in disease. Therefore, it has been classified as a Variant of Uncertain Significance. Algorithms developed to predict the effect of sequence changes on RNA splicing suggest that this variant may create or strengthen a splice site, but this prediction has not been confirmed by published transcriptional studies. Algorithms developed to predict the effect of missense changes on protein structure and function are either unavailable or do not agree on the potential impact of this missense change (SIFT: "Tolerated"; PolyPhen-2: "Probably Damaging"; Align-GVGD: "Class C0"). This sequence change replaces aspartic acid with asparagine at codon 189 of the BRCA2 protein (p.Asp189Asn). The aspartic acid residue is moderately conserved and there is a small physicochemical difference between aspartic acid and asparagine. This variant is not present in population databases (ExAC no frequency). This variant has not been reported in the literature in individuals with BRCA2-related disease.

NM_000059.4(BRCA2):c.565G>A (p.Asp189Asn)

Gene: BRCA2 (BRCA2 DNA repair associated; plus strand). Cytogenetic location: 13q13.1.
Variant type: single nucleotide variant.
Coding change: c.565G>A on transcript NM_000059.4 (MANE Select); coding-DNA position 565, G replaced by A.
Protein change: p.Asp189Asn; replaces aspartic acid 189 with asparagine.
Molecular consequence: missense variant.
Genome position (GRCh38, 1-based): chr13:32,326,547, G>A. VCF-style: chr13-32326547-G-A. GRCh37 (hg19) VCF-style: chr13-32900684-G-A.
Other names: short protein forms D189N.
Identifiers: ClinVar variation 582058 (VCV000582058.11), dbSNP rs1555281067, ClinGen allele CA387757941.